The following is an entry in ClinVar:

ClinVar aggregate classification (germline): Uncertain significance (1 of 4 stars; one submission).

Conditions:
Immunodeficiency, common variable, 10. Also called: DEFICIT IN ANTERIOR PITUITARY FUNCTION AND VARIABLE IMMUNODEFICIENCY; IMMUNODEFICIENCY, COMMON VARIABLE, WITH CENTRAL ADRENAL INSUFFICIENCY. Identifiers: MedGen C3809991, MONDO:0014260, OMIM 615577.

Submission:

Labcorp Genetics (formerly Invitae), Labcorp
Classification: Uncertain significance for Immunodeficiency, common variable, 10. Last evaluated: 2023-09-08. Review status: criteria provided, single submitter. Criteria: Invitae Variant Classification Sherloc (09022015). Collection method: clinical testing. Allele origin: germline.
Comment: This variant is not present in population databases (gnomAD no frequency). This variant has not been reported in the literature in individuals affected with NFKB2-related conditions. An algorithm developed to predict the effect of missense changes on protein structure and function (PolyPhen-2) suggests that this variant is likely to be disruptive. In summary, the available evidence is currently insufficient to determine the role of this variant in disease. Therefore, it has been classified as a Variant of Uncertain Significance. This sequence change replaces proline, which is neutral and non-polar, with serine, which is neutral and polar, at codon 613 of the NFKB2 protein (p.Pro613Ser).

NM_001322934.2(NFKB2):c.1837C>T (p.Pro613Ser)

Gene: NFKB2 (nuclear factor kappa B subunit 2; plus strand). Cytogenetic location: 10q24.32.
Variant type: single nucleotide variant.
Coding change: c.1837C>T on transcript NM_001322934.2 (MANE Select); coding-DNA position 1837, C replaced by T.
Protein change: p.Pro613Ser; replaces proline 613 with serine.
Molecular consequence: missense variant.
Genome position (GRCh38, 1-based): chr10:102,400,693, C>T. VCF-style: chr10-102400693-C-T. GRCh37 (hg19) VCF-style: chr10-104160450-C-T.
Other names: c.1837C>T, p.Pro613Ser (NM_001077493.1, NM_001077494.3, NM_001261403.3 and 2 more transcripts); c.1711C>T, p.Pro571Ser (NM_001322935.1); short protein forms P571S, P613S.
Identifiers: ClinVar variation 2756247 (VCV002756247.3), dbSNP rs2544597618, ClinGen allele CA377902613.